The following is an entry in ClinVar:

ClinVar aggregate classification (germline): Uncertain significance (1 of 4 stars; one submission).

Conditions:
Hyperphosphatasia with intellectual disability syndrome 5 (GPIBD11). Also called: GLYCOSYLPHOSPHATIDYLINOSITOL BIOSYNTHESIS DEFECT 11. Identifiers: Orphanet 247262, MedGen C4014958, MONDO:0014457, OMIM 616025.

Submission:

Labcorp Genetics (formerly Invitae), Labcorp
Classification: Uncertain significance for Hyperphosphatasia with intellectual disability syndrome 5. Last evaluated: 2022-05-08. Review status: criteria provided, single submitter. Criteria: Invitae Variant Classification Sherloc (09022015). Collection method: clinical testing. Allele origin: germline.
Comment: This sequence change replaces histidine, which is basic and polar, with tyrosine, which is neutral and polar, at codon 327 of the PIGW protein (p.His327Tyr). This variant is not present in population databases (gnomAD no frequency). This variant has not been reported in the literature in individuals affected with PIGW-related conditions. Algorithms developed to predict the effect of missense changes on protein structure and function (SIFT, PolyPhen-2, Align-GVGD) all suggest that this variant is likely to be tolerated. In summary, the available evidence is currently insufficient to determine the role of this variant in disease. Therefore, it has been classified as a Variant of Uncertain Significance.

NM_001346754.2(PIGW):c.979C>T (p.His327Tyr)

Genes: MYO19 (myosin XIX; minus strand), PIGW (phosphatidylinositol glycan anchor biosynthesis class W; plus strand). Cytogenetic location: 17q12.
Variant type: single nucleotide variant.
Coding change: c.979C>T on transcript NM_001346754.2 (MANE Select); coding-DNA position 979, C replaced by T.
Protein change: p.His327Tyr; replaces histidine 327 with tyrosine.
Molecular consequence: missense variant.
Genome position (GRCh38, 1-based): chr17:36,538,080, C>T. VCF-style: chr17-36538080-C-T. GRCh37 (hg19) VCF-style: chr17-34893929-C-T.
Other names: c.979C>T, p.His327Tyr (NM_001346755.2, NM_178517.5); short protein forms H327Y.
Identifiers: ClinVar variation 2135569 (VCV002135569.4), dbSNP rs2074167898, ClinGen allele CA399163989.